The following is an entry in ClinVar:

ClinVar aggregate classification (germline): Likely benign (0 of 4 stars; one submission).

Conditions:
ECEL1-related disorder. Also called: ECEL1-related condition.

Submission:

PreventionGenetics, part of Exact Sciences
Classification: Likely benign for ECEL1-related condition. Last evaluated: 2020-12-11. Review status: no assertion criteria provided. Collection method: clinical testing. Allele origin: germline.
Comment: This variant is classified as likely benign based on ACMG/AMP sequence variant interpretation guidelines (Richards et al. 2015 PMID: 25741868, with internal and published modifications).

NM_004826.4(ECEL1):c.264C>G (p.Val88=)

Gene: ECEL1 (endothelin converting enzyme like 1; minus strand). Cytogenetic location: 2q37.1.
Variant type: single nucleotide variant.
Coding change: c.264C>G on transcript NM_004826.4 (MANE Select); coding-DNA position 264, C replaced by G.
Protein change: p.Val88=; no amino-acid change (valine 88 retained).
Molecular consequence: synonymous variant.
Genome position (GRCh38, 1-based): chr2:232,486,390, G>C on the plus strand (C>G on the coding strand, the complement: ECEL1 is on the minus strand). VCF-style: chr2-232486390-G-C. GRCh37 (hg19) VCF-style: chr2-233351100-G-C.
Other names: c.264C>G, p.Val88= (NM_001290787.2).
Identifiers: ClinVar variation 3030732 (VCV003030732.2), dbSNP rs1397958331, ClinGen allele CA431951191.
Genomic context (GRCh38, chr2:232,486,390, plus strand): 5'-GGCGCGCGCGAAGGCCTTGCGCTCAGGGCAGCCCTCGGGACAGGCGCCGCCGCCGGCCGC[G>C]ACCGGGCCCAGGTACTTGAGGGCCAGCATAGCCGCCAGAATGGCGCAGAGGCCGGCGGCG-3'
Protein context (NP_004817.2, residues 78-98): AMLALKYLGP[Val88=]AAGGGACPEG